The following is an entry in ClinVar:

ClinVar aggregate classification (germline): Uncertain significance (0 of 4 stars; one submission).

Conditions:
Prostate cancer. Also called: Malignant tumor of prostate. Identifiers: Orphanet 1331, MedGen C0376358, MONDO:0008315, HP:0012125.

Submission:

Science for Life laboratory,  Karolinska Institutet
Classification: Uncertain significance for Malignant tumor of prostate. Review status: no assertion criteria provided. Collection method: not provided. Allele origin: somatic.
Comment: TumorID:SWE-16
ClinVar note: Converted during submission from Unknown to Uncertain significance.

NM_005414.5(SKIL):c.942A>T (p.Arg314Ser)

Gene: SKIL (SKI like proto-oncogene; plus strand). Cytogenetic location: 3q26.2.
Variant type: single nucleotide variant.
Coding change: c.942A>T on transcript NM_005414.5 (MANE Select); coding-DNA position 942, A replaced by T.
Protein change: p.Arg314Ser; replaces arginine 314 with serine.
Molecular consequence: missense variant.
Genome position (GRCh38, 1-based): chr3:170,361,273, A>T. VCF-style: chr3-170361273-A-T. GRCh37 (hg19) VCF-style: chr3-170079061-A-T.
Other names: c.942A>T, p.Arg314Ser (NM_001145097.2, NM_001248008.1); c.882A>T, p.Arg294Ser (NM_001145098.3); short protein forms R314S, R294S.
Identifiers: ClinVar variation 161532 (VCV000161532.2), dbSNP rs193920870, ClinGen allele CA174278.
Genomic context (GRCh38, chr3:170,361,273, plus strand): 5'-TTGTGGAATGTTTGCACCCCAGACGTTTGTGATGCATTCTCACAGATCACCTGACAAAAG[A>T]ACTTGCCACTGGGGCTTTGAATCAGCTAAATGGCATTGCTATCTTCATGTGAACCAAAAA-3'
Protein context (NP_005405.2, residues 304-324): VMHSHRSPDK[Arg314Ser]TCHWGFESAK